The following is an entry in ClinVar:

ClinVar aggregate classification (germline): Uncertain significance (1 of 4 stars; one submission).

Conditions:
Inborn genetic diseases. Identifiers: MedGen C0950123, MeSH D030342.

gnomAD v4.1: 3 of 1,611,836 alleles (0.00019%); highest among the groups gnomAD compares: Non-Finnish European, 0.000085%; no homozygotes.

Submission:

Ambry Genetics
Classification: Uncertain significance for Inborn genetic diseases. Last evaluated: 2025-08-20. Review status: criteria provided, single submitter. Criteria: Ambry Variant Classification Scheme 2023. Collection method: clinical testing. Allele origin: germline.
Comment: The p.G833D variant (also known as c.2498G>A), located in coding exon 12 of the BMPR2 gene, results from a G to A substitution at nucleotide position 2498. The glycine at codon 833 is replaced by aspartic acid, an amino acid with similar properties. This amino acid position is conserved. In addition, the in silico prediction for this alteration is inconclusive. Based on the available evidence, the clinical significance of this variant remains unclear.

NM_001204.7(BMPR2):c.2498G>A (p.Gly833Asp)

Gene: BMPR2 (bone morphogenetic protein receptor type 2; plus strand). Cytogenetic location: 2q33.2.
Variant type: single nucleotide variant.
Coding change: c.2498G>A on transcript NM_001204.7 (MANE Select); coding-DNA position 2498, G replaced by A.
Protein change: p.Gly833Asp; replaces glycine 833 with aspartic acid.
Molecular consequence: missense variant.
Genome position (GRCh38, 1-based): chr2:202,556,163, G>A. VCF-style: chr2-202556163-G-A. GRCh37 (hg19) VCF-style: chr2-203420886-G-A.
Other names: short protein forms G833D.
Identifiers: ClinVar variation 4214513 (VCV004214513.1).